The following is an entry in ClinVar:

NC_000003.12:g.169764978A>G

Genes: TERC (telomerase RNA component; minus strand), LOC110806306 (telomerase RNA component (TERC) promoter; plus strand). Cytogenetic location: 3q26.2.
Variant type: single nucleotide variant.
Genome position: GRCh38 VCF-style: chr3-169764978-A-G. GRCh37 (hg19) VCF-style: chr3-169482766-A-G.
Identifiers: ClinVar variation 2043477 (VCV002043477.4), dbSNP rs2474262499, ClinGen allele CA436715859.

ClinVar aggregate classification (germline): Uncertain significance (1 of 4 stars; one submission).

Conditions:
Dyskeratosis congenita, autosomal dominant 1 (DKCA1). Also called: Dyskeratosis congenita Scoggins type. Identifiers: Orphanet 1775, MedGen C4551974, MONDO:0007485, OMIM 127550. Inheritance: Variable.

Submission:

Labcorp Genetics (formerly Invitae), Labcorp
Classification: Uncertain significance for Dyskeratosis congenita, autosomal dominant 1. Last evaluated: 2022-03-28. Review status: criteria provided, single submitter. Criteria: Invitae Variant Classification Sherloc (09022015). Collection method: clinical testing. Allele origin: germline.
Comment: This variant occurs in the TERC gene, which encodes an RNA molecule that does not result in a protein product. This variant is not present in population databases (gnomAD no frequency). This variant has been observed in individual(s) with clinical features of dyskeratosis congenita (PMID: 26136524). This variant is located in a region of TERC in which a significant number of disease causing variants have been reported (PMID: 15082312, 21844345, 21931702). These observations suggest that this may be a clinically significant region. In summary, the available evidence is currently insufficient to determine the role of this variant in disease. Therefore, it has been classified as a Variant of Uncertain Significance. This variant is located within the template/pseudoknot domain of the TERC RNA component, which is required for RNA or RNP stability (PMID: 15082312, 21844345).

Literature cited by the submitters: PubMed 26136524; PubMed 15082312; PubMed 21844345; PubMed 21931702.